The following is an entry in ClinVar:

ClinVar aggregate classification (germline): Uncertain significance. Review status: criteria provided, multiple submitters, no conflicts (2 of 4 stars). 2 submissions from 2 submitters: Uncertain significance (2). Last evaluated 2024-11-09.

Conditions:
Inborn genetic diseases. Identifiers: MedGen C0950123, MeSH D030342.
Sulfite oxidase deficiency due to molybdenum cofactor deficiency type C. Also called: Molybdenum cofactor deficiency, complementation group C; Molybdenum cofactor deficiency C. Identifiers: Orphanet 308400, Orphanet 833, MedGen C1854990, MONDO:0014212, OMIM 615501.

Allele frequency attached by ClinVar (database versions not stated): TOPMed below 0.00001; gnomAD 0.00001; gnomAD exomes 0.00002.
gnomAD v4.1: 5 of 1,612,770 alleles (0.00031%); highest among the groups gnomAD compares: Admixed American, 0.0083%; no homozygotes.

Submissions (2):

Ambry Genetics
Classification: Uncertain significance for Inborn genetic diseases. Last evaluated: 2024-11-09. Review status: criteria provided, single submitter. Criteria: Ambry Variant Classification Scheme 2023. Collection method: clinical testing. Allele origin: germline.

Labcorp Genetics (formerly Invitae), Labcorp
Classification: Uncertain significance for Sulfite oxidase deficiency due to molybdenum cofactor deficiency type C. Last evaluated: 2024-02-05. Review status: criteria provided, single submitter. Criteria: Invitae Variant Classification Sherloc (09022015). Collection method: clinical testing. Allele origin: germline.
Comment: This sequence change replaces valine, which is neutral and non-polar, with leucine, which is neutral and non-polar, at codon 580 of the GPHN protein (p.Val580Leu). This variant is present in population databases (no rsID available, gnomAD 0.01%). This variant has not been reported in the literature in individuals affected with GPHN-related conditions. ClinVar contains an entry for this variant (Variation ID: 1464337). Advanced modeling of protein sequence and biophysical properties (such as structural, functional, and spatial information, amino acid conservation, physicochemical variation, residue mobility, and thermodynamic stability) performed at Invitae indicates that this missense variant is not expected to disrupt GPHN protein function with a negative predictive value of 80%. In summary, the available evidence is currently insufficient to determine the role of this variant in disease. Therefore, it has been classified as a Variant of Uncertain Significance.

NM_020806.5(GPHN):c.1738G>T (p.Val580Leu)

Gene: GPHN (gephyrin; plus strand). Cytogenetic location: 14q23.3.
Variant type: single nucleotide variant.
Coding change: c.1738G>T on transcript NM_020806.5 (MANE Select); coding-DNA position 1738, G replaced by T.
Protein change: p.Val580Leu; replaces valine 580 with leucine.
Molecular consequence: missense variant.
Genome position (GRCh38, 1-based): chr14:67,122,367, G>T. VCF-style: chr14-67122367-G-T. GRCh37 (hg19) VCF-style: chr14-67589084-G-T.
Other names: c.1639G>T, p.Val547Leu (NM_001024218.2); c.1798G>T, p.Val600Leu (NM_001377514.1); c.1768G>T, p.Val590Leu (NM_001377515.1); c.1759G>T, p.Val587Leu (NM_001377516.1); c.1711G>T, p.Val571Leu (NM_001377517.1); c.1696G>T, p.Val566Leu (NM_001377518.1); c.1678G>T, p.Val560Leu (NM_001377519.1); c.1738G>T (NM_020806.4); short protein forms V571L, V587L, V547L, V580L, V566L, V560L, V590L, V600L.
Identifiers: ClinVar variation 1464337 (VCV001464337.7), dbSNP rs1204402891, ClinGen allele CA390259361.
Genomic context (GRCh38, chr14:67,122,367, plus strand): 5'-CGTTCAACTCTTCTAGCAACAATTCAGGAACATGGTTACCCCACGATCAACTTGGGTATT[G>T]TAGGAGACAAGTAAGTATTTGATGTCATTCTGAAAAGTTTGTATTGTACAAATACGAGTT-3'
Protein context (NP_065857.1, residues 570-590): HGYPTINLGI[Val580Leu]GDNPDDLLNA